The following is an entry in ClinVar:

ClinVar aggregate classification (germline): Uncertain significance (1 of 4 stars; one submission).

Conditions:
Cardiovascular phenotype. Identifiers: MedGen CN230736.

Submission:

Ambry Genetics
Classification: Uncertain significance for Cardiovascular phenotype. Last evaluated: 2025-11-10. Review status: criteria provided, single submitter. Criteria: Ambry Variant Classification Scheme 2023. Collection method: clinical testing. Allele origin: germline.
Comment: The p.N674K variant (also known as c.2022C>A), located in coding exon 16 of the JAG1 gene, results from a C to A substitution at nucleotide position 2022. The asparagine at codon 674 is replaced by lysine, an amino acid with similar properties. This amino acid position is conserved. In addition, this alteration is predicted to be tolerated by in silico analysis. Based on the available evidence, the clinical significance of this variant remains unclear.

NM_000214.3(JAG1):c.2022C>A (p.Asn674Lys)

Gene: JAG1 (jagged canonical Notch ligand 1; minus strand). Cytogenetic location: 20p12.2.
Variant type: single nucleotide variant.
Coding change: c.2022C>A on transcript NM_000214.3 (MANE Select); coding-DNA position 2022, C replaced by A.
Protein change: p.Asn674Lys; replaces asparagine 674 with lysine.
Molecular consequence: missense variant.
Genome position (GRCh38, 1-based): chr20:10,645,447, G>T on the plus strand (C>A on the coding strand, the complement: JAG1 is on the minus strand). VCF-style: chr20-10645447-G-T. GRCh37 (hg19) VCF-style: chr20-10626095-G-T.
Other names: short protein forms N674K.
Identifiers: ClinVar variation 4614282 (VCV004614282.1).